The following is an entry in ClinVar:

ClinVar aggregate classification (germline): Pathogenic (1 of 4 stars; one submission).

Submission:

CeGaT Center for Human Genetics Tuebingen
Classification: Pathogenic. Last evaluated: 2023-12-01. Review status: criteria provided, single submitter. Criteria: CeGaT Center For Human Genetics Tuebingen Variant Classification Criteria Version 2. Collection method: clinical testing. Allele origin: germline. Affected: yes. Observed: 1 variant allele.
Comment: ANKRD11: PVS1, PM2

NM_013275.6(ANKRD11):c.5675del (p.Pro1892fs)

Gene: ANKRD11 (ankyrin repeat domain 11; minus strand). Cytogenetic location: 16q24.3.
Variant type: Deletion.
Coding change: c.5675del on transcript NM_013275.6 (MANE Select); coding-DNA position 5675, one base deleted (C; older notation c.5675delC).
Protein change: p.Pro1892fs; shifts the reading frame from proline 1892.
Molecular consequence: frameshift variant.
Genome position (GRCh38, 1-based): chr16:89,280,867, G deleted on the plus strand (C on the coding strand, the reverse complement: ANKRD11 is on the minus strand); the first of 4 consecutive G bases (chr16:89,280,867-89,280,870); deleting any one gives the same sequence. VCF-style (leftmost placement, unchanged base first): chr16-89280866-AG-A. GRCh37 (hg19) VCF-style: chr16-89347274-AG-A.
Other names: c.5675del, p.Pro1892fs (NM_001256182.2, NM_001256183.2); short protein forms P1892fs.
Identifiers: ClinVar variation 3026579 (VCV003026579.22), dbSNP rs2544226758, ClinGen allele CA2740093467.
Genomic context (GRCh38, chr16:89,280,866, plus strand): 5'-GTCCAGGTCCGGGGGAAGGGCCCCTTCGAGGGAAGGAACCAGCAGCTCGGCTCTGGGGGA[AG>A]GGGAAGGTTTTGCTTGTAAACTTGAGAAGACGCCCTCTGGAGACGGGGTGACAGTGACAA-3'